The following is an entry in ClinVar:

NM_005334.3(HCFC1):c.1705A>G (p.Ser569Gly)

Gene: HCFC1 (host cell factor C1; minus strand). Cytogenetic location: Xq28.
Variant type: single nucleotide variant.
Coding change: c.1705A>G on transcript NM_005334.3 (MANE Select); coding-DNA position 1705, A replaced by G.
Protein change: p.Ser569Gly; replaces serine 569 with glycine.
Molecular consequence: missense variant. On other transcripts: intron variant (2).
Genome position (GRCh38, 1-based): chrX:153,958,667, T>C on the plus strand (A>G on the coding strand, the complement: HCFC1 is on the minus strand). VCF-style: chrX-153958667-T-C. GRCh37 (hg19) VCF-style: chrX-153224118-T-C.
Other names: c.1705A>G, p.Ser569Gly (NM_001410705.1, NM_001440843.1, NM_001440844.1 and 5 more transcripts); c.1606-418A>G (NM_001440851.1, NM_001440850.1); short protein forms S569G.
Identifiers: ClinVar variation 4765143 (VCV004765143.1).

ClinVar aggregate classification (germline): Uncertain significance (1 of 4 stars; one submission).

Conditions:
Methylmalonic acidemia with homocystinuria, type cblX (MAHCX). Also called: INTELLECTUAL DEVELOPMENTAL DISORDER, X-LINKED 3. Identifiers: Orphanet 369962, MedGen C0796208, MONDO:0010657, OMIM 309541.

Submission:

Labcorp Genetics (formerly Invitae), Labcorp
Classification: Uncertain significance for Methylmalonic acidemia with homocystinuria, type cblX. Last evaluated: 2025-12-06. Review status: criteria provided, single submitter. Criteria: Invitae Variant Classification Sherloc (09022015). Collection method: clinical testing. Allele origin: germline.
Comment: This sequence change replaces serine, which is neutral and polar, with glycine, which is neutral and non-polar, at codon 569 of the HCFC1 protein (p.Ser569Gly). This variant is not present in population databases (gnomAD no frequency). This variant has not been reported in the literature in individuals affected with HCFC1-related conditions. An algorithm developed to predict the effect of missense changes on protein structure and function (PolyPhen-2) suggests that this variant is likely to be disruptive. In summary, the available evidence is currently insufficient to determine the role of this variant in disease. Therefore, it has been classified as a Variant of Uncertain Significance.